The following is an entry in ClinVar:

NM_000157.4(GBA1):c.1000-1G>C

Genes: GBA1 (glucosylceramidase beta 1; minus strand), LOC106627981 (GBA recombination region; plus strand). Cytogenetic location: 1q22.
Variant type: single nucleotide variant.
Coding change: c.1000-1G>C on transcript NM_000157.4 (MANE Select); the canonical splice acceptor site of the intron before coding-DNA position 1000, G replaced by C.
Molecular consequence: splice acceptor variant.
Genome position (GRCh38, 1-based): chr1:155,236,470, C>G on the plus strand (G>C on the coding strand, the complement: GBA1 is on the minus strand). VCF-style: chr1-155236470-C-G. GRCh37 (hg19) VCF-style: chr1-155206261-C-G.
Other names: c.739-1G>C (NM_001171811.2); c.1000-1G>C (NM_001005742.3, NM_001005741.3); c.853-1G>C (NM_001171812.2).
Identifiers: ClinVar variation 4817659 (VCV004817659.1).
Genomic context (GRCh38, chr1:155,236,470, plus strand): 5'-CAGGTACCAATGTACAGCAATGCCATGAACATATTTAGCTGCTTCTGGGTCTGTCAGTAC[C>G]TGCAAAGGAAGAGCAACTGATCCTGGACCTTGCACACAGGCTTCTGGAACTTCTAGTTCC-3'

ClinVar aggregate classification (germline): Likely pathogenic (1 of 4 stars; one submission).

Conditions:
Gaucher disease. Also called: Acute cerebral Gaucher disease; Cerebroside lipidosis syndrome; Gaucher splenomegaly; Sphingolipidosis 1; Glucocerebrosidosis; Glucosylceramidase deficiency. Identifiers: Orphanet 355, MedGen C0017205, MONDO:0018150.

gnomAD v4.1: 1 of 1,612,566 alleles (0.000062%); highest among the groups gnomAD compares: South Asian, 0.0011%; no homozygotes.

Submission:

Natera, Inc.
Classification: Likely pathogenic for Gaucher disease. Last evaluated: 2025-09-22. Review status: criteria provided, single submitter. Criteria: Natera Variant Classification Schema (03/2026). Collection method: clinical testing. Allele origin: germline.
Comment: The c.1000-1G>C variant in GBA1 is a canonical splice acceptor site variant predicted to affect pre-mRNA splicing, which may result in an abnormal transcript and altered protein product. This variant is expected to result in nonsense mediated decay, truncation, or a dysfunctional protein product. This variant is rare in the general population with a frequency below the threshold expected for the associated phenotype(s). This variant has been observed in one or more individuals affected with the associated recessive disease, as either homozygous or compound heterozygous with a second variant (PMID: 29934114). Given the available evidence, this variant is classified as Likely Pathogenic.

Literature cited by the submitters: PubMed 29934114.